The following is an entry in ClinVar:

ClinVar aggregate classification (germline): Uncertain significance (1 of 4 stars; one submission).

Conditions:
Familial focal epilepsy with variable foci (FPEVF). Identifiers: Orphanet 98820, MedGen C1858477, MONDO:0020310.

Submission:

Labcorp Genetics (formerly Invitae), Labcorp
Classification: Uncertain significance for Familial focal epilepsy with variable foci. Last evaluated: 2022-06-13. Review status: criteria provided, single submitter. Criteria: Invitae Variant Classification Sherloc (09022015). Collection method: clinical testing. Allele origin: germline.
Comment: This sequence change replaces alanine, which is neutral and non-polar, with valine, which is neutral and non-polar, at codon 461 of the DEPDC5 protein (p.Ala461Val). This variant is not present in population databases (gnomAD no frequency). This variant has not been reported in the literature in individuals affected with DEPDC5-related conditions. Algorithms developed to predict the effect of missense changes on protein structure and function are either unavailable or do not agree on the potential impact of this missense change (SIFT: "Deleterious"; PolyPhen-2: "Not Available"; Align-GVGD: "Class C0"). In summary, the available evidence is currently insufficient to determine the role of this variant in disease. Therefore, it has been classified as a Variant of Uncertain Significance.

NM_001242896.3(DEPDC5):c.1382C>T (p.Ala461Val)

Gene: DEPDC5 (DEP domain containing 5, GATOR1 subcomplex subunit; plus strand). Cytogenetic location: 22q12.3.
Variant type: single nucleotide variant.
Coding change: c.1382C>T on transcript NM_001242896.3 (MANE Select); coding-DNA position 1382, C replaced by T.
Protein change: p.Ala461Val; replaces alanine 461 with valine.
Molecular consequence: missense variant. On other transcripts: non-coding transcript variant (5).
Genome position (GRCh38, 1-based): chr22:31,810,578, C>T. VCF-style: chr22-31810578-C-T. GRCh37 (hg19) VCF-style: chr22-32206564-C-T.
Other names: c.1382C>T, p.Ala461Val (NM_001007188.4, NM_001136029.4, NM_001242897.2 and 7 more transcripts); c.1298C>T, p.Ala433Val (NM_001369901.1, NM_001369902.1); short protein forms A461V, A433V.
Identifiers: ClinVar variation 1387308 (VCV001387308.6), dbSNP rs2148707510, ClinGen allele CA411276872.